The following is an entry in ClinVar:

NM_001903.5(CTNNA1):c.2510A>G (p.Tyr837Cys)

Gene: CTNNA1 (catenin alpha 1; plus strand). Cytogenetic location: 5q31.2.
Variant type: single nucleotide variant.
Coding change: c.2510A>G on transcript NM_001903.5 (MANE Select); coding-DNA position 2510, A replaced by G.
Protein change: p.Tyr837Cys; replaces tyrosine 837 with cysteine.
Molecular consequence: missense variant. On other transcripts: 3 prime UTR variant (5).
Genome position (GRCh38, 1-based): chr5:138,933,878, A>G. VCF-style: chr5-138933878-A-G. GRCh37 (hg19) VCF-style: chr5-138269567-A-G.
Other names: c.*55A>G (NM_001290307.3, NM_001324002.1, NM_001324003.1 and 2 more transcripts); c.2201A>G, p.Tyr734Cys (NM_001290309.3); c.2141A>G, p.Tyr714Cys (NM_001290310.3); c.1400A>G, p.Tyr467Cys (NM_001290312.1, NM_001323987.1, NM_001323988.1 and 12 more transcripts); c.2510A>G, p.Tyr837Cys (NM_001323982.2, NM_001323983.1, NM_001323984.2); c.2483A>G, p.Tyr828Cys (NM_001323985.2); c.2417A>G, p.Tyr806Cys (NM_001323986.2); c.1265A>G, p.Tyr422Cys (NM_001324001.1); and 3 more; short protein forms Y436C, Y714C, Y837C, Y386C, Y467C, Y806C, Y734C, Y354C.
Identifiers: ClinVar variation 1792393 (VCV001792393.6), dbSNP rs2533949686, ClinGen allele CA361135273.

ClinVar aggregate classification (germline): Uncertain significance. Review status: criteria provided, multiple submitters, no conflicts (2 of 4 stars). 2 submissions from 2 submitters: Uncertain significance (2). Last evaluated 2024-10-21.

Conditions:
Hereditary cancer-predisposing syndrome. Also called: Hereditary Cancer Syndrome; Hereditary neoplastic syndrome; Tumor predisposition; Neoplastic Syndromes, Hereditary. Identifiers: Orphanet 140162, MedGen C0027672, MeSH D009386, MONDO:0015356.

Submissions (2):

Labcorp Genetics (formerly Invitae), Labcorp
Classification: Uncertain significance. Last evaluated: 2024-10-21. Review status: criteria provided, single submitter. Criteria: Invitae Variant Classification Sherloc (09022015). Collection method: clinical testing. Allele origin: germline.
Comment: This sequence change replaces tyrosine, which is neutral and polar, with cysteine, which is neutral and slightly polar, at codon 837 of the CTNNA1 protein (p.Tyr837Cys). This variant is not present in population databases (gnomAD no frequency). This variant has not been reported in the literature in individuals affected with CTNNA1-related conditions. ClinVar contains an entry for this variant (Variation ID: 1792393). Invitae Evidence Modeling of protein sequence and biophysical properties (such as structural, functional, and spatial information, amino acid conservation, physicochemical variation, residue mobility, and thermodynamic stability) indicates that this missense variant is expected to disrupt CTNNA1 protein function with a positive predictive value of 80%. In summary, the available evidence is currently insufficient to determine the role of this variant in disease. Therefore, it has been classified as a Variant of Uncertain Significance.

Ambry Genetics
Classification: Uncertain significance for Hereditary cancer-predisposing syndrome. Last evaluated: 2024-09-09. Review status: criteria provided, single submitter. Criteria: Ambry Variant Classification Scheme 2023. Collection method: clinical testing. Allele origin: germline.
Comment: The p.Y837C variant (also known as c.2510A>G), located in coding exon 17 of the CTNNA1 gene, results from an A to G substitution at nucleotide position 2510. The tyrosine at codon 837 is replaced by cysteine, an amino acid with highly dissimilar properties. This amino acid position is highly conserved in available vertebrate species. In addition, this alteration is predicted to be deleterious by in silico analysis. The evidence for this gene-disease relationship is limited; therefore, the clinical significance of this alteration is unclear.